The following is an entry in ClinVar:

ClinVar aggregate classification (germline): Uncertain significance (1 of 4 stars; one submission).

Submission:

Ambry Genetics
Classification: Uncertain significance. Last evaluated: 2023-02-25. Review status: criteria provided, single submitter. Criteria: Ambry Variant Classification Scheme 2023. Collection method: clinical testing. Allele origin: germline.
Comment: The p.P1070T variant (also known as c.3208C>A), located in coding exon 27 of the PRKDC gene, results from a C to A substitution at nucleotide position 3208. The proline at codon 1070 is replaced by threonine, an amino acid with highly similar properties. This amino acid position is conserved. In addition, this alteration is predicted to be deleterious by in silico analysis. Since supporting evidence is limited at this time, the clinical significance of this alteration remains unclear.

NM_006904.7(PRKDC):c.3208C>A (p.Pro1070Thr)

Gene: PRKDC (protein kinase, DNA-activated, catalytic subunit; minus strand). Cytogenetic location: 8q11.21.
Variant type: single nucleotide variant.
Coding change: c.3208C>A on transcript NM_006904.7 (MANE Select); coding-DNA position 3208, C replaced by A.
Protein change: p.Pro1070Thr; replaces proline 1070 with threonine.
Molecular consequence: missense variant.
Genome position (GRCh38, 1-based): chr8:47,902,630, G>T on the plus strand (C>A on the coding strand, the complement: PRKDC is on the minus strand). VCF-style: chr8-47902630-G-T. GRCh37 (hg19) VCF-style: chr8-48815190-G-T.
Other names: c.3208C>A, p.Pro1070Thr (NM_001081640.2); short protein forms P1070T.
Identifiers: ClinVar variation 2449895 (VCV002449895.2), dbSNP rs1193694024, ClinGen allele CA371156673.